The following is an entry in ClinVar:

NM_000329.3(RPE65):c.65T>C (p.Leu22Pro)

Gene: RPE65 (retinoid isomerohydrolase RPE65; minus strand). Cytogenetic location: 1p31.3.
Variant type: single nucleotide variant.
Coding change: c.65T>C on transcript NM_000329.3 (MANE Select); coding-DNA position 65, T replaced by C.
Protein change: p.Leu22Pro; replaces leucine 22 with proline.
Molecular consequence: missense variant.
Genome position (GRCh38, 1-based): chr1:68,448,653, A>G on the plus strand (T>C on the coding strand, the complement: RPE65 is on the minus strand). VCF-style: chr1-68448653-A-G. GRCh37 (hg19) VCF-style: chr1-68914336-A-G.
Other names: NM_000329.3(RPE65):c.65T>C; short protein forms L22P.
Identifiers: ClinVar variation 98888 (VCV000098888.60), dbSNP rs61751277, ClinGen allele CA226576.
Genomic context (GRCh38, chr1:68,448,653, plus strand): 5'-AGAGGATGGCTTCAAGATGGGCGAGACCAACCTGTTACATGAGCTGTGAGCGGCGAGGAC[A>G]GTTCCTCCACAGTTTCAAACAGTTTCTTGTAACCACCAGCAGGATGCTCAACCCTGAAAT-3'
Protein context (NP_000320.1, residues 12-32): YKKLFETVEE[Leu22Pro]SSPLTAHVTG

ClinVar aggregate classification (germline): Pathogenic. Review status: reviewed by expert panel (3 of 4 stars). 13 submissions from 13 submitters: Pathogenic (1). 12 of the submissions do not count toward it. Last evaluated 2026-09-22.

Conditions:
RPE65-related recessive retinopathy. Also called: Recessive RPE65 retinopathy. Identifiers: MedGen CN305526, MONDO:0100368.
RPE65-related disorder. Also called: RPE65-related condition; RPE65-related disorders. Identifiers: MedGen CN239301.
Leber congenital amaurosis 2 (LCA2). Also called: AMAUROSIS CONGENITA OF LEBER II; Autosomal Recessive RPE65-Related Retinal Degeneration. Identifiers: Orphanet 65, MedGen C1859844, MONDO:0008765, OMIM 204100. Disease mechanism: loss of function.
Retinitis pigmentosa 20 (RP20). Identifiers: Orphanet 791, MedGen C3151086, MONDO:0013425, OMIM 613794.
Leber congenital amaurosis (LCA). Also called: Leber's amaurosis. Identifiers: Orphanet 65, MedGen C0339527, MeSH D057130, MONDO:0018998.

Allele frequency attached by ClinVar (database versions not stated): gnomAD exomes 0.00001 and 0.00003; gnomAD 0.00003 and 0.00004; TOPMed 0.00004; ExAC 0.00005; ESP Exome Variant Server 0.00015.
gnomAD v4.1: 17 of 1,613,860 alleles (0.0011%); highest among the groups gnomAD compares: African/African-American, 0.0067%; no homozygotes.

Submissions 1 to 7 of 13:

ClinGen Leber Congenital Amaurosis/early Onset Retinal Dystrophy Variant Curation Expert Panel, ClinGen
Classification: Pathogenic for RPE65-related recessive retinopathy. Last evaluated: 2026-09-22. Review status: reviewed by expert panel. Criteria: ClinGen LCAeoRD ACMG Specifications RPE65 V1.0.0. Collection method: curation. Allele origin: germline. Inheritance: Autosomal recessive inheritance.
Comment: NM_000329.3(RPE65):c.65T>C is a missense variant causing substitution of leucine with proline at position 22. This variant is present in gnomAD v.4.1.1 at a GrpMax allele frequency of 0.00006679, with 5 alleles/74866 total alleles in the African/African American population, which is lower than the ClinGen LCA / eoRD VCEP PM2_Supporting threshold of <0.0002 (PM2_Supporting). At least one proband harboring this variant exhibits a phenotype including onset in infancy (1 pt), nyctalopia since childhood (0.5 pts), diagnosis based on a 300-gene testing panel that did not provide an alternative explanation for visual impairment (2 pts), non-detectable rod ERG response (0.5 pts), reduced cone ERG response (1 pt), reduced visual acuity (1 pt), light-seeking behavior (1 pt), retinal vessel attenuation (0.5 pts), optic nerve pallor (0.5 pts), and pigment clumping (0.5 pts), which together are highly specific for RPE65-related recessive retinopathy (8 total points, VCEP member-provided data, PP4_Moderate). This variant has been reported in 2 probands with early-onset severe retinal dystrophy who were homozygous for the variant (1 pt, PMIDs: 35129589, 28127548, 38002999, VCEP member-provided data). This variant has also been reported in 1 proband with early-onset severe retinal dystrophy who was compound heterozygous with the NM_000329.3(RPE65): c.893delA (p.Lys298fs) variant, which was previously classified as pathogenic by the ClinGen LCA / eoRD VCEP, confirmed in trans (1 pt, Personal communication). This variant has also been reported in 2 probands with early-onset severe retinal dystrophy who were compound heterozygous with the NM_000329.3(RPE65):c.1067dup (p.Asn356fs) or NM_000329.3(RPE65):c.10C>T (p.Gln4Ter) variants which were previously classified as pathogenic by the ClinGen LCA / eoRD VCEP suspected in trans (1 pt, PMID: 35129589, PMID:32865313). This variant was reported in 1 proband with early-onset retinal dystrophy who was compound heterozygous with NM_000329.3(RPE65):c.1249G>C (p.Glu417Gln) which was previously classified as likely pathogenic confirmed in trans (1 pt, PMID:38002999). This variant was reported in 1 proband with early-onset retinal dystrophy who was compound heterozygous with NM_000329.3(RPE65):c.272G>C (p.Arg91Pro) which was previously classified as likely pathogenic suspected in trans (0.25 pts, PMID:38002999). This variant was reported in 1 proband with retinitis pigmentosa who was a compound heterozygote with the NM_000329.3:c.201_202delinsTT (p.His68Tyr) variant, which is classified as a variant of unknown significance, confirmed in trans (PMID: 9801879, PMID: 11264131). The variant is confirmed in trans with the NM_000329.3(RPE65):c.208T>G (p.Phe70Val) variant which was previously classified as likely pathogenic (PMID: 17724218) but wasn't counted to avoid circularity. (4.25 total pts, PM3_Very Strong). The computational predictor REVEL gives a score of 0.711, which is above the ClinGen LCA / eoRD VCEP PP3 threshold of ≥0.644 and predicts a damaging effect on RPE65 function (PP3). The variant exhibited 2.8-13.5% enzymatic activity in retinoid isomerase assays relative to the wild-type control, which is lower than the ClinGen LCA / eoRD PS3_Supporting threshold of <10% activity, indicating that it triggers a severe defect in protein function (PS3_Supporting, PMID: 18599565, PMID: 24849605, PMID: 26427455). In summary, this variant meets the criteria to be classified as Pathogenic for RPE65-related recessive retinopathy based on the ACMG/AMP criteria applied, as specified by the ClinGen LCA / eoRD VCEP: PS3_Supporting, PM2_Supporting, PM3_Very Strong, PP3, and PP4_Moderate. (VCEP specifications version 1.0.0)

PreventionGenetics, part of Exact Sciences
Classification: Likely pathogenic for RPE65-related condition. Last evaluated: 2026-05-11. Review status: criteria provided, single submitter. Criteria: ACMG Guidelines, 2015. Collection method: clinical testing. Allele origin: germline. Not counted in ClinVar's aggregate classification.
Comment: The RPE65 c.65T>C variant is predicted to result in the amino acid substitution p.Leu22Pro. This variant, along with other RPE65 variants, has been reported in individuals with RPE65-related autosomal recessive retinal disease (see for example: Marlhens et al. 1998. PubMed ID: 9801879; Hamel et al. 2001. PubMed ID: 11264131; Sallum et al. 2020. PubMed ID: 32865313). This variant has been shown to impact RPE65 function and expression (Lorenz et al. 2008. PubMed ID: 18599565; Li et al. 2014. PubMed ID: 24849605; Jin et al. 2016. PubMed ID: 26427455). This variant is reported in 0.012% of alleles in individuals of African descent in gnomAD. This variant has been classified as likely pathogenic by the ClinGen Leber Congenital Amaurosis/early Onset Retinal Dystrophy Variant Curation Expert Panel (Variation ID: 98888). This variant is interpreted as likely pathogenic for autosomal recessive disease.

GeneDx
Classification: Pathogenic. Last evaluated: 2026-01-05. Review status: criteria provided, single submitter. Criteria: GeneDx Variant Classification Process June 2021. Collection method: clinical testing. Allele origin: germline. Not counted in ClinVar's aggregate classification.
Comment: Published functional studies demonstrate a damaging effect with reduced protein expression and reduced RPE65 isomerase activity (PMID: 24849605, 18599565); In silico analysis suggests that this missense variant does not alter protein structure/function; This variant is associated with the following publications: (PMID: 25525159, 26427455, 18599565, 19373675, 9801879, 11264131, 32865313, 10800710, 31964843, 39020067, 36460718, 35835501, 38927562, 39062658, 24849605)

Labcorp Genetics (formerly Invitae), Labcorp
Classification: Pathogenic for Leber congenital amaurosis 2; Retinitis pigmentosa 20. Last evaluated: 2025-12-08. Review status: criteria provided, single submitter. Criteria: Invitae Variant Classification Sherloc (09022015). Collection method: clinical testing. Allele origin: germline. Not counted in ClinVar's aggregate classification.
Comment: This sequence change replaces leucine, which is neutral and non-polar, with proline, which is neutral and non-polar, at codon 22 of the RPE65 protein (p.Leu22Pro). This variant is present in population databases (rs61751277, gnomAD 0.01%). This missense change has been observed in individuals with autosomal recessive retinal dystrophy (PMID: 9801879, 17724218; internal data). ClinVar contains an entry for this variant (Variation ID: 98888). Invitae Evidence Modeling of protein sequence and biophysical properties (such as structural, functional, and spatial information, amino acid conservation, physicochemical variation, residue mobility, and thermodynamic stability) indicates that this missense variant is not expected to disrupt RPE65 protein function with a negative predictive value of 80%. Experimental studies have shown that this missense change affects RPE65 function (PMID: 18599565, 24849605, 26427455). For these reasons, this variant has been classified as Pathogenic.

Natera, Inc.
Classification: Pathogenic for Leber congenital amaurosis. Last evaluated: 2025-09-21. Review status: criteria provided, single submitter. Criteria: Natera Variant Classification Schema (03/2026). Collection method: clinical testing. Allele origin: germline. Not counted in ClinVar's aggregate classification.
Comment: The c.65T>C variant in RPE65 is a missense variant predicted to cause substitution of leucine to proline at amino acid 22. This variant is rare in the general population with a frequency below the threshold expected for the associated phenotype(s). This variant has been observed in one or more individuals affected with the associated recessive disease, as either homozygous or compound heterozygous with a second variant (PMID: 28127548, 38002999, 37322672, 17724218, 35129589, 38927562). Functional studies show that this variant may disrupt protein function (PMID: 24849605, 18599565). Given the available evidence, this variant is classified as Pathogenic.

Blueprint Genetics
Classification: Pathogenic for RPE65-related disorders. Last evaluated: 2024-01-29. Review status: criteria provided, single submitter. Criteria: ACMG Guidelines, 2015. Collection method: clinical testing. Allele origin: germline. Affected: yes. Observed: 5 variant alleles. Not counted in ClinVar's aggregate classification.

Baylor Genetics
Classification: Pathogenic for Leber congenital amaurosis 2. Last evaluated: 2024-01-01. Review status: criteria provided, single submitter. Criteria: ACMG Guidelines, 2015. Collection method: clinical testing. Allele origin: unknown. Not counted in ClinVar's aggregate classification.